The following is an entry in ClinVar:

NM_000075.4(CDK4):c.325C>G (p.Pro109Ala)

Gene: CDK4 (cyclin dependent kinase 4; minus strand). Cytogenetic location: 12q14.1.
Variant type: single nucleotide variant.
Coding change: c.325C>G on transcript NM_000075.4 (MANE Select); coding-DNA position 325, C replaced by G.
Protein change: p.Pro109Ala; replaces proline 109 with alanine.
Molecular consequence: missense variant.
Genome position (GRCh38, 1-based): chr12:57,751,236, G>C on the plus strand (C>G on the coding strand, the complement: CDK4 is on the minus strand). VCF-style: chr12-57751236-G-C. GRCh37 (hg19) VCF-style: chr12-58145019-G-C.
Other names: short protein forms P109A.
Identifiers: ClinVar variation 2452473 (VCV002452473.6), dbSNP rs1345420183, ClinGen allele CA385547645.

ClinVar aggregate classification (germline): Uncertain significance. Review status: criteria provided, multiple submitters, no conflicts (2 of 4 stars). 3 submissions from 3 submitters: Uncertain significance (3). Last evaluated 2025-06-03.

Conditions:
Hereditary cancer-predisposing syndrome. Also called: Neoplastic Syndromes, Hereditary; Tumor predisposition; Hereditary neoplastic syndrome; Hereditary Cancer Syndrome. Identifiers: Orphanet 140162, MedGen C0027672, MeSH D009386, MONDO:0015356.
Familial melanoma. Also called: Hereditary melanoma; Hereditary cutaneous melanoma. Identifiers: Orphanet 618, MedGen C1512419, MONDO:0018961.

Submissions (3):

Quest Diagnostics Nichols Institute San Juan Capistrano
Classification: Uncertain significance. Last evaluated: 2025-06-03. Review status: criteria provided, single submitter. Criteria: Quest Diagnostics criteria. Collection method: clinical testing. Allele origin: unknown.
Comment: The CDK4 c.325C>G (p.Pro109Ala) variant, to the best of our knowledge, has not been reported as a germline variant in individuals with CDK4-related conditions in the published literature. This variant did not show a significant effect in a saturation mutagenesis assay measuring protein kinase activity and drug resistance (PMID: 31925410 (2020)). The frequency of this variant in the general population (Genome Aggregation Database) is uninformative in the assessment of its pathogenicity. Analysis of this variant using bioinformatics tools for the prediction of the effect of amino acid changes on protein structure and function yielded predictions that this variant is benign. Based on the available information, we are unable to determine the clinical significance of this variant.

Labcorp Genetics (formerly Invitae), Labcorp
Classification: Uncertain significance for Familial melanoma. Last evaluated: 2023-11-23. Review status: criteria provided, single submitter. Criteria: Invitae Variant Classification Sherloc (09022015). Collection method: clinical testing. Allele origin: germline.
Comment: This sequence change replaces proline, which is neutral and non-polar, with alanine, which is neutral and non-polar, at codon 109 of the CDK4 protein (p.Pro109Ala). This variant is present in population databases (no rsID available, gnomAD 0.0009%). This variant has not been reported in the literature in individuals affected with CDK4-related conditions. ClinVar contains an entry for this variant (Variation ID: 2452473). Advanced modeling of protein sequence and biophysical properties (such as structural, functional, and spatial information, amino acid conservation, physicochemical variation, residue mobility, and thermodynamic stability) performed at Invitae indicates that this missense variant is not expected to disrupt CDK4 protein function with a negative predictive value of 95%. In summary, the available evidence is currently insufficient to determine the role of this variant in disease. Therefore, it has been classified as a Variant of Uncertain Significance.

Ambry Genetics
Classification: Uncertain significance for Hereditary cancer-predisposing syndrome. Last evaluated: 2023-02-10. Review status: criteria provided, single submitter. Criteria: Ambry Variant Classification Scheme 2023. Collection method: clinical testing. Allele origin: germline.
Comment: The p.P109A variant (also known as c.325C>G), located in coding exon 2 of the CDK4 gene, results from a C to G substitution at nucleotide position 325. The proline at codon 109 is replaced by alanine, an amino acid with highly similar properties. This amino acid position is not well conserved in available vertebrate species. In addition, this alteration is predicted to be tolerated by in silico analysis. Since supporting evidence is limited at this time, the clinical significance of this alteration remains unclear.

Literature cited by the submitters: PubMed 31925410 (cited by Quest Diagnostics Nichols Institute San Juan Capistrano).